The following is an entry in ClinVar:

ClinVar aggregate classification (germline): Conflicting classifications of pathogenicity. Review status: criteria provided, conflicting classifications (1 of 4 stars). 11 submissions from 11 submitters: Uncertain significance (7); Benign (2); Likely benign (2). Last evaluated 2026-02-16.

Conditions:
SLC2A1-related disorder. Also called: SLC2A1-related disorders; SLC2A1-related condition.
Epilepsy, idiopathic generalized, susceptibility to, 12 (EIG12). Identifiers: MedGen C3553859, MONDO:0013919, OMIM 614847.
Encephalopathy due to GLUT1 deficiency. Also called: GLUCOSE TRANSPORT DEFECT, BLOOD-BRAIN BARRIER; Classic Glucose Transporter Type 1 Deficiency Syndrome; De Vivo disease; GLUT1 deficiency syndrome 1; Glucose transporter protein syndrome; GLUT1 deficiency syndrome 1, infantile onset, severe. Identifiers: Orphanet 71277, MedGen C4551966, MONDO:0011724, OMIM 606777.
Childhood onset GLUT1 deficiency syndrome 2. Also called: GLUT1 deficiency syndrome 2; PAROXYSMAL EXERCISE-INDUCED DYSKINESIA WITH OR WITHOUT EPILEPSY AND/OR HEMOLYTIC ANEMIA; PAROXYSMAL EXERTION-INDUCED DYSTONIA WITH OR WITHOUT EPILEPSY AND/OR HEMOLYTIC ANEMIA; PED WITH OR WITHOUT EPILEPSY AND/OR HEMOLYTIC ANEMIA; Paroxysmal exercise-induced dystonia; PxMD-SLC2A1. Identifiers: Orphanet 98811, MedGen C1842534, MONDO:0012805, OMIM 612126.
Hereditary cryohydrocytosis with reduced stomatin. Also called: Stomatin-deficient cryohydrocytosis with neurologic defects; GLUT1 DEFICIENCY SYNDROME WITH PSEUDOHYPERKALEMIA AND HEMOLYSIS. Identifiers: Orphanet 168577, MedGen C1837206, MONDO:0012143, OMIM 608885.
Dystonia 9 (DYT9). Also called: CHOREOATHETOSIS, KINESIGENIC, WITH EPISODIC ATAXIA AND SPASTICITY. Identifiers: Orphanet 53583, MedGen C1832855, MONDO:0010983, OMIM 601042.
Inborn genetic diseases. Identifiers: MedGen C0950123, MeSH D030342.
GLUT1 deficiency syndrome 1, autosomal recessive. Identifiers: MedGen C3149117.

Allele frequency attached by ClinVar (database versions not stated): gnomAD 0.00006 and 0.00007; ESP Exome Variant Server 0.00008; gnomAD exomes 0.00010 and 0.00051; TOPMed 0.00022; ExAC 0.00043.
gnomAD v4.1: 154 of 1,613,818 alleles (0.0095%); highest among the groups gnomAD compares: Admixed American, 0.24%; no homozygotes.

Submissions (11):

PreventionGenetics, part of Exact Sciences
Classification: Likely benign for SLC2A1-related condition. Last evaluated: 2026-02-16. Review status: criteria provided, single submitter. Criteria: ACMG Guidelines, 2015. Collection method: clinical testing. Allele origin: germline.
Comment: This variant is classified as likely benign based on ACMG/AMP sequence variant interpretation guidelines (Richards et al. 2015 PMID: 25741868, with internal and published modifications).

Labcorp Genetics (formerly Invitae), Labcorp
Classification: Likely benign for GLUT1 deficiency syndrome 1, autosomal recessive. Last evaluated: 2026-01-26. Review status: criteria provided, single submitter. Criteria: Invitae Variant Classification Sherloc (09022015). Collection method: clinical testing. Allele origin: germline.

Revvity Omics, Revvity
Classification: Benign. Last evaluated: 2024-07-25. Review status: criteria provided, single submitter. Criteria: ACMG Guidelines, 2015. Collection method: clinical testing. Allele origin: germline.

Mayo Clinic Laboratories, Mayo Clinic
Classification: Uncertain significance. Last evaluated: 2021-11-23. Review status: criteria provided, single submitter. Criteria: ACMG Guidelines, 2015. Collection method: clinical testing. Allele origin: germline. Observed: 1 variant allele.
Comment: BS1

New York Genome Center
Classification: Uncertain significance for Epilepsy, idiopathic generalized, susceptibility to, 12. Last evaluated: 2020-04-14. Review status: criteria provided, single submitter. Criteria: NYGC Assertion Criteria 2020. Collection method: clinical testing. Allele origin: germline. Observed: 1 heterozygote. Study: CSER-NYCKidSeq.

GeneDx
Classification: Benign. Last evaluated: 2020-01-24. Review status: criteria provided, single submitter. Criteria: GeneDx Variant Classification Process June 2021. Collection method: clinical testing. Allele origin: germline. Affected: yes.
Comment: This variant is associated with the following publications: (PMID: 21135204)

Fulgent Genetics
Classification: Uncertain significance for Hereditary cryohydrocytosis with reduced stomatin. Last evaluated: 2017-05-23. Review status: criteria provided, single submitter. Criteria: ACMG Guidelines, 2015. Collection method: clinical testing. Allele origin: unknown.

Ambry Genetics
Classification: Uncertain significance for Inborn genetic diseases. Last evaluated: 2016-07-07. Review status: criteria provided, single submitter. Criteria: Ambry Variant Classification Scheme 2023. Collection method: clinical testing. Allele origin: germline.
Comment: The p.I339T variant (also known as c.1016T>C), located in coding exon 8 of the SLC2A1 gene, results from a T to C substitution at nucleotide position 1016. The isoleucine at codon 339 is replaced by threonine, an amino acid with similar properties. This variant was previously reported in the SNPDatabase as rs141619735. Based on data from the NHLBI Exome Sequencing Project (ESP), the C allele has an overall frequency of approximately 0.01% (1/13006) total alleles studied, having been observed in 0.02% (1/4406) African American alleles. This amino acid position is highly conserved through mammals but not in all available vertebrate species. In addition, this alteration is predicted to be tolerated by in silico analysis. Since supporting evidence is limited at this time, the clinical significance of this variant remains unclear.

Genetic Services Laboratory, University of Chicago
Classification: Uncertain significance. Last evaluated: 2014-12-12. Review status: criteria provided, single submitter. Criteria: ACMG Guidelines, 2015. Collection method: clinical testing. Allele origin: germline.

Eurofins Ntd Llc (ga)
Classification: Uncertain significance. Last evaluated: 2014-07-08. Review status: criteria provided, single submitter. Criteria: EGL Classification Definitions 2015. Collection method: clinical testing. Allele origin: germline. Observed: 2 variant alleles, 2 heterozygotes.

Center for Genomics, Ann and Robert H. Lurie Children's Hospital of Chicago
Classification: Uncertain significance for Dystonia 9; Encephalopathy due to GLUT1 deficiency; Hereditary cryohydrocytosis with reduced stomatin; Epilepsy, idiopathic generalized, susceptibility to, 12; Childhood onset GLUT1 deficiency syndrome 2. Review status: criteria provided, single submitter. Criteria: ACMG Guidelines, 2015. Collection method: clinical testing. Allele origin: germline.
Comment: SLC2A1 NM_006516.2 exon 8 p.Ile339Thr (c.1016T>C): This variant has been reported in the literature in 1 individual with meningomyocele (Cormier 2011 PMID:21135204). However, this variant is present in 0.3% (127/34406) of Latino alleles in the Genome Aggregation Database. This variant is present in ClinVar (Variation ID:198843). Evolutionary conservation and computational predictive tools for this variant are unclear. In summary, data on this variant is insufficient for disease classification. Therefore, the clinical significance of this variant is uncertain

Literature cited by the submitters: PubMed 21135204 (cited by Eurofins Ntd Llc (ga)).

NM_006516.4(SLC2A1):c.1016T>C (p.Ile339Thr)

Gene: SLC2A1 (solute carrier family 2 member 1; minus strand). Cytogenetic location: 1p34.2.
Variant type: single nucleotide variant.
Coding change: c.1016T>C on transcript NM_006516.4 (MANE Select); coding-DNA position 1016, T replaced by C.
Protein change: p.Ile339Thr; replaces isoleucine 339 with threonine.
Molecular consequence: missense variant.
Genome position (GRCh38, 1-based): chr1:42,928,990, A>G on the plus strand (T>C on the coding strand, the complement: SLC2A1 is on the minus strand). VCF-style: chr1-42928990-A-G. GRCh37 (hg19) VCF-style: chr1-43394661-A-G.
Other names: p.I339T:ATA>ACA; p.Ile339Thr; c.1016T>C (NM_006516.3); short protein forms I339T.
Identifiers: ClinVar variation 198843 (VCV000198843.36), dbSNP rs141619735, ClinGen allele CA018983.